The following is an entry in ClinVar:

ClinVar aggregate classification (germline): Pathogenic (1 of 4 stars; one submission).

Conditions:
Alstrom syndrome (ALMS). Identifiers: Orphanet 64, MedGen C0268425, MONDO:0008763, OMIM 203800.

Submission:

Labcorp Genetics (formerly Invitae), Labcorp
Classification: Pathogenic for Alstrom syndrome. Last evaluated: 2021-08-02. Review status: criteria provided, single submitter. Criteria: Invitae Variant Classification Sherloc (09022015). Collection method: clinical testing. Allele origin: germline.
Comment: For these reasons, this variant has been classified as Pathogenic. This variant has not been reported in the literature in individuals affected with ALMS1-related conditions. This variant is not present in population databases (ExAC no frequency). This sequence change creates a premature translational stop signal (p.Asp3376Glufs*13) in the ALMS1 gene. It is expected to result in an absent or disrupted protein product. Loss-of-function variants in ALMS1 are known to be pathogenic (PMID: 17594715).

Literature cited by the submitters: PubMed 17594715.

NM_001378454.1(ALMS1):c.10125del (p.Asp3375fs)

Gene: ALMS1 (ALMS1 centrosome and basal body associated protein; plus strand). Cytogenetic location: 2p13.1.
Variant type: Deletion.
Coding change: c.10125del on transcript NM_001378454.1 (MANE Select); coding-DNA position 10125, one base deleted (C; older notation c.10125delC).
Protein change: p.Asp3375fs; shifts the reading frame from aspartic acid 3375.
Molecular consequence: frameshift variant.
Genome position (GRCh38, 1-based): chr2:73,557,266, C deleted. VCF-style (leftmost placement, unchanged base first): chr2-73557265-AC-A. GRCh37 (hg19) VCF-style: chr2-73784392-AC-A.
Other names: c.10128del, p.Asp3376fs (NM_015120.4); short protein forms D3376fs, D3375fs.
Identifiers: ClinVar variation 1427936 (VCV001427936.6), dbSNP rs2104057987, ClinGen allele CA2573135800.